The following is an entry in ClinVar:

ClinVar aggregate classification (germline): Uncertain significance (1 of 4 stars; one submission).

Conditions:
Desmin-related myofibrillar myopathy (MFM1). Also called: Desminopathy; Desmin related myopathy (former name); Desmin storage myopathy (former name); Myofibrillar myopathy 1; MYOFIBRILLAR MYOPATHY WITH ARRHYTHMOGENIC RIGHT VENTRICULAR CARDIOMYOPATHY; DESMIN-RELATED MYOPATHY WITH ARRHYTHMOGENIC RIGHT VENTRICULAR CARDIOMYOPATHY. Identifiers: Orphanet 363543, Orphanet 98909, MedGen C1832370, MONDO:0011076, OMIM 601419.

Submission:

Labcorp Genetics (formerly Invitae), Labcorp
Classification: Uncertain significance for Desmin-related myofibrillar myopathy. Last evaluated: 2025-12-01. Review status: criteria provided, single submitter. Criteria: Invitae Variant Classification Sherloc (09022015). Collection method: clinical testing. Allele origin: germline.
Comment: This sequence change replaces isoleucine, which is neutral and non-polar, with valine, which is neutral and non-polar, at codon 223 of the DES protein (p.Ile223Val). This variant is present in population databases (rs745847521, gnomAD 0.003%). This variant has not been reported in the literature in individuals affected with DES-related conditions. Invitae Evidence Modeling of protein sequence and biophysical properties (such as structural, functional, and spatial information, amino acid conservation, physicochemical variation, residue mobility, and thermodynamic stability) indicates that this missense variant is not expected to disrupt DES protein function with a negative predictive value of 80%. In summary, the available evidence is currently insufficient to determine the role of this variant in disease. Therefore, it has been classified as a Variant of Uncertain Significance.

NM_001927.4(DES):c.667A>G (p.Ile223Val)

Gene: DES (desmin; plus strand). Cytogenetic location: 2q35.
Variant type: single nucleotide variant.
Coding change: c.667A>G on transcript NM_001927.4 (MANE Select); coding-DNA position 667, A replaced by G.
Protein change: p.Ile223Val; replaces isoleucine 223 with valine.
Molecular consequence: missense variant. On other transcripts: intron variant (1).
Genome position (GRCh38, 1-based): chr2:219,420,278, A>G. VCF-style: chr2-219420278-A-G. GRCh37 (hg19) VCF-style: chr2-220285000-A-G.
Other names: c.664A>G, p.Ile222Val (NM_001382708.1); c.667A>G, p.Ile223Val (NM_001382709.1, NM_001382710.1, NM_001382711.1 and 1 more transcripts); c.496-247A>G (NM_001382713.1); short protein forms I222V, I223V.
Identifiers: ClinVar variation 4791322 (VCV004791322.1).